The following is an entry in ClinVar:

ClinVar aggregate classification (germline): Uncertain significance (1 of 4 stars; one submission).

Conditions:
Progressive encephalopathy with leukodystrophy due to DECR deficiency. Identifiers: Orphanet 431361, MedGen C1857252, MONDO:0014464, OMIM 616034.

Allele frequency attached by ClinVar (database versions not stated): gnomAD exomes 0.00001 and 0.00004; ExAC 0.00002; TOPMed 0.00002; gnomAD 0.00003 and 0.00004.
gnomAD v4.1: 66 of 1,612,966 alleles (0.0041%); highest among the groups gnomAD compares: Non-Finnish European, 0.0049%; no homozygotes.

Submission:

Labcorp Genetics (formerly Invitae), Labcorp
Classification: Uncertain significance for Progressive encephalopathy with leukodystrophy due to DECR deficiency. Last evaluated: 2025-11-18. Review status: criteria provided, single submitter. Criteria: Invitae Variant Classification Sherloc (09022015). Collection method: clinical testing. Allele origin: germline.
Comment: This sequence change replaces serine, which is neutral and polar, with leucine, which is neutral and non-polar, at codon 426 of the NADK2 protein (p.Ser426Leu). This variant is present in population databases (rs761705765, gnomAD 0.003%). This variant has not been reported in the literature in individuals affected with NADK2-related conditions. ClinVar contains an entry for this variant (Variation ID: 1427734). Invitae Evidence Modeling of protein sequence and biophysical properties (such as structural, functional, and spatial information, amino acid conservation, physicochemical variation, residue mobility, and thermodynamic stability) indicates that this missense variant is not expected to disrupt NADK2 protein function with a negative predictive value of 80%. In summary, the available evidence is currently insufficient to determine the role of this variant in disease. Therefore, it has been classified as a Variant of Uncertain Significance.

NM_001085411.3(NADK2):c.1277C>T (p.Ser426Leu)

Gene: NADK2 (NAD kinase 2, mitochondrial; minus strand). Cytogenetic location: 5p13.2.
Variant type: single nucleotide variant.
Coding change: c.1277C>T on transcript NM_001085411.3 (MANE Select); coding-DNA position 1277, C replaced by T.
Protein change: p.Ser426Leu; replaces serine 426 with leucine.
Molecular consequence: missense variant.
Genome position (GRCh38, 1-based): chr5:36,195,196, G>A on the plus strand (C>T on the coding strand, the complement: NADK2 is on the minus strand). VCF-style: chr5-36195196-G-A. GRCh37 (hg19) VCF-style: chr5-36195298-G-A.
Other names: c.788C>T, p.Ser263Leu (NM_001287340.2, NM_153013.5); c.854C>T, p.Ser285Leu (NM_001287341.2); short protein forms S263L, S426L, S285L.
Identifiers: ClinVar variation 1427734 (VCV001427734.8), dbSNP rs761705765, ClinGen allele CA3234461.